The following is an entry in ClinVar:

NM_002838.5(PTPRC):c.9G>C (p.Met3Ile)

Gene: PTPRC (protein tyrosine phosphatase receptor type C; plus strand). Cytogenetic location: 1q31.3.
Variant type: single nucleotide variant.
Coding change: c.9G>C on transcript NM_002838.5 (MANE Select); coding-DNA position 9, G replaced by C.
Protein change: p.Met3Ile; replaces methionine 3 with isoleucine.
Molecular consequence: missense variant. On other transcripts: non-coding transcript variant (1).
Genome position (GRCh38, 1-based): chr1:198,639,277, G>C. VCF-style: chr1-198639277-G-C. GRCh37 (hg19) VCF-style: chr1-198608407-G-C.
Other names: c.9G>C, p.Met3Ile (NM_001267798.2, NM_080921.4); short protein forms M3I.
Identifiers: ClinVar variation 1467707 (VCV001467707.3), dbSNP rs1662439770, ClinGen allele CA344097961.

ClinVar aggregate classification (germline): Uncertain significance (1 of 4 stars; one submission).

Conditions:
Immunodeficiency 104. Also called: Severe Combined Immune Deficiency, Autosomal Recessive, TCell -Negative, B Cell-Positive, NK Cell-Positive, IL7R-Related; Severe combined immunodeficiency, autosomal recessive, T cell-negative, B cell-positive, NK cell-positive; SCID, AUTOSOMAL RECESSIVE, T CELL-NEGATIVE, B CELL-POSITIVE, NK CELL-POSITIVE; IMMUNODEFICIENCY 104, SEVERE COMBINED. Identifiers: MedGen C5676890, MONDO:0012163, OMIM 608971.

Allele frequency attached by ClinVar (database versions not stated): gnomAD exomes below 0.00001; TOPMed 0.00002.

Submission:

Labcorp Genetics (formerly Invitae), Labcorp
Classification: Uncertain significance for Immunodeficiency 104. Last evaluated: 2021-10-12. Review status: criteria provided, single submitter. Criteria: Invitae Variant Classification Sherloc (09022015). Collection method: clinical testing. Allele origin: germline.
Comment: This sequence change replaces methionine with isoleucine at codon 3 of the PTPRC protein (p.Met3Ile). The methionine residue is moderately conserved and there is a small physicochemical difference between methionine and isoleucine. This variant is not present in population databases (ExAC no frequency). This variant has not been reported in the literature in individuals affected with PTPRC-related conditions. Algorithms developed to predict the effect of missense changes on protein structure and function (SIFT, PolyPhen-2, Align-GVGD) all suggest that this variant is likely to be tolerated. In summary, the available evidence is currently insufficient to determine the role of this variant in disease. Therefore, it has been classified as a Variant of Uncertain Significance.